The following is an entry in ClinVar:

NM_000384.3(APOB):c.5906G>A (p.Ser1969Asn)

Gene: APOB (apolipoprotein B; minus strand). Cytogenetic location: 2p24.1.
Variant type: single nucleotide variant.
Coding change: c.5906G>A on transcript NM_000384.3 (MANE Select); coding-DNA position 5906, G replaced by A.
Protein change: p.Ser1969Asn; replaces serine 1969 with asparagine.
Molecular consequence: missense variant.
Genome position (GRCh38, 1-based): chr2:21,010,962, C>T on the plus strand (G>A on the coding strand, the complement: APOB is on the minus strand). VCF-style: chr2-21010962-C-T. GRCh37 (hg19) VCF-style: chr2-21233834-C-T.
Other names: short protein forms S1969N.
Identifiers: ClinVar variation 2565883 (VCV002565883.2), dbSNP rs1663298242, ClinGen allele CA346003724.

ClinVar aggregate classification (germline): Uncertain significance (1 of 4 stars; one submission).

Conditions:
Cardiovascular phenotype. Identifiers: MedGen CN230736.

Allele frequency attached by ClinVar (database versions not stated): gnomAD exomes below 0.00001; gnomAD 0.00001.
gnomAD v4.1: 3 of 1,613,988 alleles (0.00019%); highest among the groups gnomAD compares: African/African-American, 0.0013%; no homozygotes.

Submission:

Ambry Genetics
Classification: Uncertain significance for Cardiovascular phenotype. Last evaluated: 2023-06-05. Review status: criteria provided, single submitter. Criteria: Ambry Variant Classification Scheme 2023. Collection method: clinical testing. Allele origin: germline.
Comment: The p.S1969N variant (also known as c.5906G>A), located in coding exon 26 of the APOB gene, results from a G to A substitution at nucleotide position 5906. The serine at codon 1969 is replaced by asparagine, an amino acid with highly similar properties. This amino acid position is conserved. In addition, this alteration is predicted to be tolerated by in silico analysis. Since supporting evidence is limited at this time, the clinical significance of this alteration remains unclear.